The following is an entry in ClinVar:

ClinVar aggregate classification (germline): Uncertain significance (1 of 4 stars; one submission).

Conditions:
Immunodeficiency 14 (IMD14A). Also called: ACTIVATED PI3K-DELTA SYNDROME 1; Activated PI3K Delta Syndrome Type 1 (APDS1); p110-DELTA-ACTIVATING MUTATION CAUSING SENESCENT T CELLS, LYMPHADENOPATHY, AND IMMUNODEFICIENCY; IMMUNODEFICIENCY 14A WITH LYMPHOPROLIFERATION, AUTOSOMAL DOMINANT. Identifiers: Orphanet 397596, Orphanet 693661, MedGen C5907821, MONDO:0014222, OMIM 615513.

Allele frequency attached by ClinVar (database versions not stated): ExAC 0.00001; gnomAD 0.00002 and 0.00003.
gnomAD v4.1: 12 of 1,613,096 alleles (0.00074%); highest among the groups gnomAD compares: African/African-American, 0.0027%; no homozygotes.

Submission:

Labcorp Genetics (formerly Invitae), Labcorp
Classification: Uncertain significance for Activated PI3K-delta syndrome. Last evaluated: 2026-02-01. Review status: criteria provided, single submitter. Criteria: Invitae Variant Classification Sherloc (09022015). Collection method: clinical testing. Allele origin: germline.
Comment: This sequence change replaces proline, which is neutral and non-polar, with leucine, which is neutral and non-polar, at codon 658 of the PIK3CD protein (p.Pro658Leu). This variant is present in population databases (rs780565270, gnomAD 0.01%). This missense change has been observed in individual(s) with atypical activated PI3K delta syndrome (PMID: 30639166). ClinVar contains an entry for this variant (Variation ID: 1499446). Invitae Evidence Modeling of protein sequence and biophysical properties (such as structural, functional, and spatial information, amino acid conservation, physicochemical variation, residue mobility, and thermodynamic stability) indicates that this missense variant is not expected to disrupt PIK3CD protein function with a negative predictive value of 80%. In summary, the available evidence is currently insufficient to determine the role of this variant in disease. Therefore, it has been classified as a Variant of Uncertain Significance.

Literature cited by the submitters: PubMed 30639166.

NM_005026.5(PIK3CD):c.1973C>T (p.Pro658Leu)

Gene: PIK3CD (phosphatidylinositol-4,5-bisphosphate 3-kinase catalytic subunit delta; plus strand). Cytogenetic location: 1p36.22.
Variant type: single nucleotide variant.
Coding change: c.1973C>T on transcript NM_005026.5 (MANE Select); coding-DNA position 1973, C replaced by T.
Protein change: p.Pro658Leu; replaces proline 658 with leucine.
Molecular consequence: missense variant.
Genome position (GRCh38, 1-based): chr1:9,721,778, C>T. VCF-style: chr1-9721778-C-T. GRCh37 (hg19) VCF-style: chr1-9781836-C-T.
Other names: c.1970C>T, p.Pro657Leu (NM_001350234.2); c.1886C>T, p.Pro629Leu (NM_001350235.1); short protein forms P629L, P658L, P657L.
Identifiers: ClinVar variation 1499446 (VCV001499446.6), dbSNP rs780565270, ClinGen allele CA577395.